The following is an entry in ClinVar:

NM_001035.3(RYR2):c.13044G>A (p.Glu4348=)

Genes: RYR2 (ryanodine receptor 2; plus strand), LOC126806068 (BRD4-independent group 4 enhancer GRCh37_chr1:237947411-237948610; plus strand). Cytogenetic location: 1q43.
Variant type: single nucleotide variant.
Coding change: c.13044G>A on transcript NM_001035.3 (MANE Select); coding-DNA position 13044, G replaced by A.
Protein change: p.Glu4348=; no amino-acid change (glutamic acid 4348 retained).
Molecular consequence: synonymous variant.
Genome position (GRCh38, 1-based): chr1:237,784,756, G>A. VCF-style: chr1-237784756-G-A. GRCh37 (hg19) VCF-style: chr1-237948056-G-A.
Other names: c.13044G>A (NM_001035.2).
Identifiers: ClinVar variation 920754 (VCV000920754.15), dbSNP rs559197657, ClinGen allele CA085288.

ClinVar aggregate classification (germline): Likely benign. Review status: criteria provided, multiple submitters, no conflicts (2 of 4 stars). 5 submissions from 5 submitters: Likely benign (5). Last evaluated 2026-04-06.

Conditions:
Cardiomyopathy (CMYO). Also called: Cardiomyopathies. Identifiers: Orphanet 167848, MedGen C0878544, MONDO:0004994, HP:0001638. Inheritance: Various modes of inheritance.
Catecholaminergic polymorphic ventricular tachycardia 1. Also called: VENTRICULAR TACHYCARDIA, STRESS-INDUCED POLYMORPHIC 1; RYR2-Related Catecholaminergic Polymorphic Ventricular Tachycardia; VENTRICULAR TACHYCARDIA, CATECHOLAMINERGIC POLYMORPHIC, 1, WITH OR WITHOUT ATRIAL DYSFUNCTION AND/OR DILATED CARDIOMYOPATHY. Identifiers: Orphanet 3286, MedGen C1631597, MONDO:0011484, OMIM 604772.
Cardiovascular phenotype. Identifiers: MedGen CN230736.
Catecholaminergic polymorphic ventricular tachycardia (CVPT). Also called: Catecholamine-induced polymorphic ventricular tachycardia. Identifiers: Orphanet 3286, MedGen C5574922, MONDO:0017990.

Allele frequency attached by ClinVar (database versions not stated): gnomAD 0.00003; TOPMed 0.00003; gnomAD exomes 0.00004; ExAC 0.00006.
gnomAD v4.1: 33 of 1,602,188 alleles (0.0021%); highest among the groups gnomAD compares: Non-Finnish European, 0.0026%; no homozygotes.

Submissions (5):

Women's Health and Genetics/Laboratory Corporation of America, LabCorp
Classification: Likely benign. Last evaluated: 2026-04-06. Review status: criteria provided, single submitter. Criteria: LabCorp Variant Classification Summary - May 2015. Collection method: clinical testing. Allele origin: germline.

Labcorp Genetics (formerly Invitae), Labcorp
Classification: Likely benign for Catecholaminergic polymorphic ventricular tachycardia 1. Last evaluated: 2026-02-02. Review status: criteria provided, single submitter. Criteria: Invitae Variant Classification Sherloc (09022015). Collection method: clinical testing. Allele origin: germline.

All of Us Research Program, National Institutes of Health
Classification: Likely benign for Catecholaminergic polymorphic ventricular tachycardia. Last evaluated: 2023-11-30. Review status: criteria provided, single submitter. Criteria: ACMG Guidelines, 2015. Collection method: clinical testing. Allele origin: germline. Inheritance: Autosomal dominant inheritance. Observed: 4 variant alleles, 4 heterozygotes.
Comment: This study involves interpretation of variants in research participants for the purpose of population health screening. Participant phenotype was not available at the time of variant classification. Additional details can be found in publication PMID: 35346344, PMCID: PMC8962531

Ambry Genetics
Classification: Likely benign for Cardiovascular phenotype. Last evaluated: 2022-06-14. Review status: criteria provided, single submitter. Criteria: Ambry Variant Classification Scheme 2023. Collection method: clinical testing. Allele origin: germline.

Color Diagnostics, LLC DBA Color Health
Classification: Likely benign for Cardiomyopathy. Last evaluated: 2019-05-14. Review status: criteria provided, single submitter. Criteria: ACMG Guidelines, 2015. Collection method: clinical testing. Allele origin: germline.